The following is an entry in ClinVar:

ClinVar aggregate classification (germline): Uncertain significance (1 of 4 stars; one submission).

Submission:

Labcorp Genetics (formerly Invitae), Labcorp
Classification: Uncertain significance. Last evaluated: 2023-06-24. Review status: criteria provided, single submitter. Criteria: Invitae Variant Classification Sherloc (09022015). Collection method: clinical testing. Allele origin: germline.
Comment: In summary, the available evidence is currently insufficient to determine the role of this variant in disease. Therefore, it has been classified as a Variant of Uncertain Significance. Advanced modeling of protein sequence and biophysical properties (such as structural, functional, and spatial information, amino acid conservation, physicochemical variation, residue mobility, and thermodynamic stability) performed at Invitae indicates that this missense variant is not expected to disrupt GRIN2D protein function. This sequence change replaces proline, which is neutral and non-polar, with threonine, which is neutral and polar, at codon 1283 of the GRIN2D protein (p.Pro1283Thr). This variant is not present in population databases (gnomAD no frequency). This variant has not been reported in the literature in individuals affected with GRIN2D-related conditions.

NM_000836.4(GRIN2D):c.3847C>A (p.Pro1283Thr)

Gene: GRIN2D (glutamate ionotropic receptor NMDA type subunit 2D; plus strand). Cytogenetic location: 19q13.33.
Variant type: single nucleotide variant.
Coding change: c.3847C>A on transcript NM_000836.4 (MANE Select); coding-DNA position 3847, C replaced by A.
Protein change: p.Pro1283Thr; replaces proline 1283 with threonine.
Molecular consequence: missense variant.
Genome position (GRCh38, 1-based): chr19:48,443,773, C>A. VCF-style: chr19-48443773-C-A. GRCh37 (hg19) VCF-style: chr19-48947030-C-A.
Other names: short protein forms P1283T.
Identifiers: ClinVar variation 2727061 (VCV002727061.3), dbSNP rs2513694222, ClinGen allele CA406678584.